The following is an entry in ClinVar:

NM_058246.4(DNAJB6):c.265T>A (p.Phe89Ile)

Gene: DNAJB6 (DnaJ heat shock protein family (Hsp40) member B6; plus strand). Cytogenetic location: 7q36.3.
Variant type: single nucleotide variant.
Coding change: c.265T>A on transcript NM_058246.4 (MANE Select); coding-DNA position 265, T replaced by A.
Protein change: p.Phe89Ile; replaces phenylalanine 89 with isoleucine.
Molecular consequence: missense variant.
Genome position (GRCh38, 1-based): chr7:157,367,402, T>A. VCF-style: chr7-157367402-T-A. GRCh37 (hg19) VCF-style: chr7-157160096-T-A.
Other names: c.265T>A, p.Phe89Ile (NM_001363676.1, NM_005494.3); short protein forms F89I.
Identifiers: ClinVar variation 31531 (VCV000031531.24), dbSNP rs387907150, ClinGen allele CA260016.

ClinVar aggregate classification (germline): Pathogenic. Review status: criteria provided, multiple submitters, no conflicts (2 of 4 stars). 7 submissions from 7 submitters: Pathogenic (6). 1 of the submissions does not count toward it. Last evaluated 2026-08-07.

Conditions:
Ehlers-Danlos syndrome, classic type, 1 (EDSCL1). Also called: Ehlers-Danlos syndrome, type 1; Ehlers-Danlos Syndrome, Classic Type, COL5A1-Related; EHLERS-DANLOS SYNDROME, GRAVIS TYPE; EHLERS-DANLOS SYNDROME, SEVERE CLASSIC TYPE; EDS I. Identifiers: MedGen C0268335, MONDO:0019567, OMIM 130000.
Ehlers-Danlos syndrome, classic type, 2 (EDSCL2). Also called: Ehlers-Danlos syndrome, type 2; Ehlers-Danlos Syndrome, Classic Type, COL5A2-Related; Ehlers-Danlos syndrome type 2 (formerly). Identifiers: Orphanet 287, Orphanet 90318, MedGen C0268336, MONDO:0019568, OMIM 130010.
Autosomal dominant limb-girdle muscular dystrophy type 1D (DNAJB6) (LGMDD1). Also called: MUSCULAR DYSTROPHY, LIMB-GIRDLE, TYPE 1D; Autosomal dominant limb-girdle muscular dystrophy type 1D; Muscular dystrophy, limb-girdle, autosomal dominant 1; MUSCULAR DYSTROPHY, AUTOSOMAL DOMINANT, WITH RIMMED VACUOLES. Identifiers: Orphanet 34516, MedGen C4721885, MONDO:0021018, OMIM 603511.

Allele frequency attached by ClinVar (database versions not stated): gnomAD 0.00001.
gnomAD v4.1: 1 of 1,613,212 alleles (0.000062%); highest among the groups gnomAD compares: Non-Finnish European, 0.000085%; no homozygotes.

Submissions (7):

GeneDx
Classification: Pathogenic. Last evaluated: 2026-08-07. Review status: criteria provided, single submitter. Criteria: GeneDx Variant Classification Process June 2021. Collection method: clinical testing. Allele origin: germline.
Comment: Functional studies in animal models showed F89I resulted in abnormal muscle development and altered protein function, as compared to controls (PMID: 22366786, 26371419); In silico analysis supports that this missense variant has a deleterious effect on protein structure/function; Not observed at significant frequency in large population cohorts (gnomAD); Missense variants in this gene are a common cause of disease and they are underrepresented in the general population; This variant is associated with the following publications: (PMID: 30187710, 24920671, 22366786, 26371419, 29869469, 30564623, 26205529, 34103343, 24594375, 40571342)

Labcorp Genetics (formerly Invitae), Labcorp
Classification: Pathogenic for Autosomal dominant limb-girdle muscular dystrophy type 1D (DNAJB6). Last evaluated: 2026-01-01. Review status: criteria provided, single submitter. Criteria: Invitae Variant Classification Sherloc (09022015). Collection method: clinical testing. Allele origin: germline.
Comment: This sequence change replaces phenylalanine, which is neutral and non-polar, with isoleucine, which is neutral and non-polar, at codon 89 of the DNAJB6 protein (p.Phe89Ile). This variant is present in population databases (rs387907150, gnomAD 0.007%). This missense change has been observed in individual(s) with limb girdle muscular dystrophy type 1D (PMID: 22366786, 24594375). It has also been observed to segregate with disease in related individuals. ClinVar contains an entry for this variant (Variation ID: 31531). Invitae Evidence Modeling of protein sequence and biophysical properties (such as structural, functional, and spatial information, amino acid conservation, physicochemical variation, residue mobility, and thermodynamic stability) has been performed for this missense variant. However, the output from this modeling did not meet the statistical confidence thresholds required to predict the impact of this variant on DNAJB6 protein function. Experimental studies have shown that this missense change affects DNAJB6 function (PMID: 22366786, 24920671, 26371419). For these reasons, this variant has been classified as Pathogenic.

Variantyx, Inc.
Classification: Pathogenic for Autosomal dominant limb-girdle muscular dystrophy type 1D (DNAJB6). Last evaluated: 2025-10-06. Review status: criteria provided, single submitter. Criteria: Variantyx Assertion Criteria 2022. Collection method: clinical testing. Allele origin: germline. Inheritance: Autosomal recessive inheritance. Affected: yes.
Comment: This is a nonsynonymous variant in the DNAJB6 gene (OMIM: 611332). Pathogenic variants in this gene have been associated with autosomal dominant limb-girdle muscular dystrophy-1. This variant has been reported in at least three unrelated affected individuals (PMID: 22366786, 24594375) (PS4_Moderate) and has been observed to segregate with disease in at least twenty-seven individuals from two families (PMID: 22366786) (PP1). This variant lies within a known hotspot for pathogenic variants or a well-established critical functional domain of the DNAJB6 protein (PM1). It has a 0.0015% maximum allele frequency in non-founder control populations (PM2). Functional studies have shown that this variant alters DNAJB6 protein function (PMID: 22366786, 24920671, 26371419) (PS3), but computational algorithms produce conflicting evidence regarding the predicted functional impact of this variant (REVEL score: 0.47). Based on the current evidence, this variant is classified as pathogenic for autosomal dominant limb-girdle muscular dystrophy-1.

Revvity Omics, Revvity
Classification: Pathogenic for Autosomal dominant limb-girdle muscular dystrophy type 1D (DNAJB6). Last evaluated: 2025-06-12. Review status: criteria provided, single submitter. Criteria: ACMG Guidelines, 2015. Collection method: clinical testing. Allele origin: germline.

Eurofins Ntd Llc (ga)
Classification: Pathogenic. Last evaluated: 2017-11-14. Review status: criteria provided, single submitter. Criteria: EGL Classification Definitions 2015. Collection method: clinical testing. Allele origin: germline. Observed: 37 variant alleles, 37 heterozygotes.

Baylor-Hopkins Center for Mendelian Genomics, Johns Hopkins University School of Medicine
Classification: Pathogenic for Autosomal dominant limb-girdle muscular dystrophy type 1D (DNAJB6). Review status: criteria provided, single submitter. Criteria: ACMG Guidelines, 2015. Collection method: research. Allele origin: somatic. Inheritance: Autosomal dominant inheritance. Affected: yes. Observed: 4 variant alleles, 4 heterozygotes.

OMIM
Classification: Pathogenic for MUSCULAR DYSTROPHY, LIMB-GIRDLE, AUTOSOMAL DOMINANT 1. Last evaluated: 2014-05-01. Review status: no assertion criteria provided. Collection method: literature only. Allele origin: germline. Not counted in ClinVar's aggregate classification.

Literature cited by the submitters: PubMed 22366786 (cited by 4 submitters); PubMed 24594375 (cited by 4 submitters); PubMed 24920671 (cited by 3 submitters); PubMed 26371419 (cited by Labcorp Genetics (formerly Invitae), Labcorp and Variantyx, Inc.); PubMed 8533766 (cited by OMIM); PubMed 9973293 (cited by OMIM).